The following is an entry in ClinVar:

ClinVar aggregate classification (germline): Pathogenic. Review status: criteria provided, multiple submitters, no conflicts (2 of 4 stars). 4 submissions from 4 submitters: Pathogenic (3). 1 of the submissions does not count toward it. Last evaluated 2025-12-22.

Conditions:
Primary ciliary dyskinesia 3. Identifiers: Orphanet 244, MedGen C1837618, MONDO:0012085, OMIM 608644.
Primary ciliary dyskinesia. Also called: Ciliary dyskinesia. Identifiers: Orphanet 244, MedGen C0008780, MONDO:0016575, HP:0012265.

Submissions (4):

Labcorp Genetics (formerly Invitae), Labcorp
Classification: Pathogenic for Primary ciliary dyskinesia. Last evaluated: 2025-12-22. Review status: criteria provided, single submitter. Criteria: Invitae Variant Classification Sherloc (09022015). Collection method: clinical testing. Allele origin: germline.
Comment: This sequence change creates a premature translational stop signal (p.Leu1966Serfs*9) in the DNAH5 gene. It is expected to result in an absent or disrupted protein product. Loss-of-function variants in DNAH5 are known to be pathogenic (PMID: 11788826, 16627867). This variant is not present in population databases (gnomAD no frequency). This premature translational stop signal has been observed in individual(s) with primary ciliary dyskinesia (PMID: 31879361). ClinVar contains an entry for this variant (Variation ID: 1184500). For these reasons, this variant has been classified as Pathogenic.

GeneDx
Classification: Pathogenic. Last evaluated: 2024-08-23. Review status: criteria provided, single submitter. Criteria: GeneDx Variant Classification Process June 2021. Collection method: clinical testing. Allele origin: germline. Affected: yes.
Comment: Frameshift variant predicted to result in protein truncation or nonsense mediated decay in a gene for which loss of function is a known mechanism of disease; Not observed at significant frequency in large population cohorts (gnomAD); This variant is associated with the following publications: (PMID: 34758253, 31879361)

Fulgent Genetics
Classification: Pathogenic for Primary ciliary dyskinesia 3. Last evaluated: 2022-04-14. Review status: criteria provided, single submitter. Criteria: ACMG Guidelines, 2015. Collection method: clinical testing. Allele origin: unknown.

Genomics England Pilot Project, Genomics England
Classification: Likely pathogenic for Primary ciliary dyskinesia 3. Review status: no assertion criteria provided. Criteria: ACGS Guidelines, 2016. Collection method: clinical testing. Allele origin: germline. Affected: yes. Not counted in ClinVar's aggregate classification.

Literature cited by the submitters: PubMed 11788826 (cited by Labcorp Genetics (formerly Invitae), Labcorp); PubMed 16627867 (cited by Labcorp Genetics (formerly Invitae), Labcorp); PubMed 31879361 (cited by Labcorp Genetics (formerly Invitae), Labcorp).

NM_001369.3(DNAH5):c.5890_5894dup (p.Leu1966fs)

Gene: DNAH5 (dynein axonemal heavy chain 5; minus strand). Cytogenetic location: 5p15.2.
Variant type: Duplication.
Coding change: c.5890_5894dup on transcript NM_001369.3 (MANE Select); coding-DNA positions 5890 to 5894, 5 bases duplicated (ATCAC; older notation c.5890_5894dupATCAC).
Protein change: p.Leu1966fs; shifts the reading frame from leucine 1966.
Molecular consequence: frameshift variant.
Genome position (GRCh38, 1-based): chr5:13,830,764-13,830,768, GTGAT duplicated on the plus strand (ATCAC on the coding strand, the reverse complement: DNAH5 is on the minus strand); duplicating any 5 consecutive bases within chr5:13,830,764-13,830,770 gives the same sequence; the c. name uses the placement nearest the transcript's 3' end. VCF-style (leftmost placement, unchanged base first): chr5-13830763-C-CGTGAT. GRCh37 (hg19) VCF-style: chr5-13830872-C-CGTGAT.
Other names: c.5890_5894dup (NM_001369.2); short protein forms L1966fs.
Identifiers: ClinVar variation 1184500 (VCV001184500.11), dbSNP rs1436141222, ClinGen allele CA804511134.